The following is an entry in ClinVar:

ClinVar aggregate classification (germline): Likely benign. Review status: criteria provided, multiple submitters, no conflicts (2 of 4 stars). 3 submissions from 3 submitters: Likely benign (3). Last evaluated 2026-07-01.

Conditions:
Cardiovascular phenotype. Identifiers: MedGen CN230736.
Hypertrophic cardiomyopathy 14. Identifiers: MedGen C2750467, MONDO:0013197, OMIM 613251.

Allele frequency attached by ClinVar (database versions not stated): gnomAD 0.00002; TOPMed 0.00002; ESP Exome Variant Server 0.00008.
gnomAD v4.1: 33 of 1,613,692 alleles (0.002%); highest among the groups gnomAD compares: African/African-American, 0.011%; no homozygotes.

Submissions (3):

CeGaT Center for Human Genetics Tuebingen
Classification: Likely benign. Last evaluated: 2026-07-01. Review status: criteria provided, single submitter. Criteria: CeGaT Center For Human Genetics Tuebingen Variant Classification Criteria Version 2. Collection method: clinical testing. Allele origin: germline. Affected: yes. Observed: 1 variant allele.
Comment: MYH6: BP4, BP7

Labcorp Genetics (formerly Invitae), Labcorp
Classification: Likely benign for Hypertrophic cardiomyopathy 14. Last evaluated: 2022-12-02. Review status: criteria provided, single submitter. Criteria: Invitae Variant Classification Sherloc (09022015). Collection method: clinical testing. Allele origin: germline.

Ambry Genetics
Classification: Likely benign for Cardiovascular phenotype. Last evaluated: 2020-08-11. Review status: criteria provided, single submitter. Criteria: Ambry Variant Classification Scheme 2023. Collection method: clinical testing. Allele origin: germline.

NM_002471.4(MYH6):c.4104G>A (p.Ser1368=)

Gene: MYH6 (myosin heavy chain 6; minus strand). Cytogenetic location: 14q11.2.
Variant type: single nucleotide variant.
Coding change: c.4104G>A on transcript NM_002471.4 (MANE Select); coding-DNA position 4104, G replaced by A.
Protein change: p.Ser1368=; no amino-acid change (serine 1368 retained).
Molecular consequence: synonymous variant.
Genome position (GRCh38, 1-based): chr14:23,388,930, C>T on the plus strand (G>A on the coding strand, the complement: MYH6 is on the minus strand). VCF-style: chr14-23388930-C-T. GRCh37 (hg19) VCF-style: chr14-23858139-C-T.
Identifiers: ClinVar variation 414322 (VCV000414322.13), dbSNP rs374887637, ClinGen allele CA7114925.
Genomic context (GRCh38, chr14:23,388,930, plus strand): 5'-GAGCTCCTCAGTCCGCTGAATGGCGTCCGTCTCATACTTGGTCCTCCACTGGGCCACCTC[C>T]GAGTTGGCCTTGGACAGGACGCGCTGCAGCTCGGCCTTGGCCTCTGTCTCCTCCTCGTAC-3'
Protein context (NP_002462.2, residues 1358-1378): ELQRVLSKAN[Ser1368=]EVAQWRTKYE